The following is an entry in ClinVar:

ClinVar aggregate classification (germline): Uncertain significance. Review status: criteria provided, multiple submitters, no conflicts (2 of 4 stars). 2 submissions from 2 submitters: Uncertain significance (2). Last evaluated 2024-02-24.

Conditions:
Inborn genetic diseases. Identifiers: MedGen C0950123, MeSH D030342.

Allele frequency attached by ClinVar (database versions not stated): TOPMed 0.00003; gnomAD 0.00004; ESP Exome Variant Server 0.00008; ExAC 0.00003.
gnomAD v4.1: 53 of 1,613,120 alleles (0.0033%); highest among the groups gnomAD compares: Non-Finnish European, 0.0042%; no homozygotes.

Submissions (2):

Labcorp Genetics (formerly Invitae), Labcorp
Classification: Uncertain significance. Last evaluated: 2024-02-24. Review status: criteria provided, single submitter. Criteria: Invitae Variant Classification Sherloc (09022015). Collection method: clinical testing. Allele origin: germline.
Comment: This sequence change replaces proline, which is neutral and non-polar, with serine, which is neutral and polar, at codon 191 of the TRMT10A protein (p.Pro191Ser). This variant is present in population databases (rs375229114, gnomAD 0.005%). This variant has not been reported in the literature in individuals affected with TRMT10A-related conditions. ClinVar contains an entry for this variant (Variation ID: 2182762). Advanced modeling of protein sequence and biophysical properties (such as structural, functional, and spatial information, amino acid conservation, physicochemical variation, residue mobility, and thermodynamic stability) performed at Invitae indicates that this missense variant is not expected to disrupt TRMT10A protein function with a negative predictive value of 80%. In summary, the available evidence is currently insufficient to determine the role of this variant in disease. Therefore, it has been classified as a Variant of Uncertain Significance.

Ambry Genetics
Classification: Uncertain significance for Inborn genetic diseases. Last evaluated: 2022-11-08. Review status: criteria provided, single submitter. Criteria: Ambry Variant Classification Scheme 2023. Collection method: clinical testing. Allele origin: germline.

NM_001134665.3(TRMT10A):c.571C>T (p.Pro191Ser)

Gene: TRMT10A (tRNA methyltransferase 10A; minus strand). Cytogenetic location: 4q23.
Variant type: single nucleotide variant.
Coding change: c.571C>T on transcript NM_001134665.3 (MANE Select); coding-DNA position 571, C replaced by T.
Protein change: p.Pro191Ser; replaces proline 191 with serine.
Molecular consequence: missense variant.
Genome position (GRCh38, 1-based): chr4:99,553,859, G>A on the plus strand (C>T on the coding strand, the complement: TRMT10A is on the minus strand). VCF-style: chr4-99553859-G-A. GRCh37 (hg19) VCF-style: chr4-100475016-G-A.
Other names: c.571C>T (NM_152292.4); c.571C>T, p.Pro191Ser (NM_001134666.3, NM_001375880.1, NM_001375881.1 and 2 more transcripts); short protein forms P191S.
Identifiers: ClinVar variation 2182762 (VCV002182762.5), dbSNP rs375229114, ClinGen allele CA3021488.